The following is an entry in ClinVar:

NM_003560.4(PLA2G6):c.1267G>A (p.Ala423Thr)

Gene: PLA2G6 (phospholipase A2 group VI; minus strand). Cytogenetic location: 22q13.1.
Variant type: single nucleotide variant.
Coding change: c.1267G>A on transcript NM_003560.4 (MANE Select); coding-DNA position 1267, G replaced by A.
Protein change: p.Ala423Thr; replaces alanine 423 with threonine.
Molecular consequence: missense variant. On other transcripts: intron variant (5).
Genome position (GRCh38, 1-based): chr22:38,128,350, C>T on the plus strand (G>A on the coding strand, the complement: PLA2G6 is on the minus strand). VCF-style: chr22-38128350-C-T. GRCh37 (hg19) VCF-style: chr22-38524357-C-T.
Other names: c.1267G>A, p.Ala423Thr (NM_001349864.2); c.733G>A, p.Ala245Thr (NM_001349867.2); c.589G>A, p.Ala197Thr (NM_001349868.2); c.1186+1104G>A (NM_001349866.2, NM_001199562.3, NM_001349865.2 and 1 more transcripts); c.652+1104G>A (NM_001349869.2); short protein forms A423T, A245T, A197T.
Identifiers: ClinVar variation 341640 (VCV000341640.52), dbSNP rs746217497, ClinGen allele CA10230961.

ClinVar aggregate classification (germline): Conflicting classifications of pathogenicity. Review status: criteria provided, conflicting classifications (1 of 4 stars). 4 submissions from 4 submitters: Uncertain significance (3); Likely benign (1). Last evaluated 2026-06-01.

Conditions:
Inborn genetic diseases. Identifiers: MedGen C0950123, MeSH D030342.
PLA2G6-associated neurodegeneration (PLAN). Also called: phospholipase A2-associated neurodegeneration. Identifiers: Orphanet 329303, MedGen CN204472, MONDO:0017998.
Infantile neuroaxonal dystrophy (NBIA2A). Also called: Infantile neuroaxonal dystrophy 1; SEITELBERGER DISEASE; NEURODEGENERATION WITH BRAIN IRON ACCUMULATION 2A. Identifiers: Orphanet 35069, MedGen C0270724, MONDO:0024457, OMIM 256600.

Allele frequency attached by ClinVar (database versions not stated): gnomAD exomes 0.00002 and 0.00004; ExAC 0.00004; gnomAD 0.00004 and 0.00005; TOPMed 0.00006.
gnomAD v4.1: 44 of 1,613,708 alleles (0.0027%); highest among the groups gnomAD compares: Admixed American, 0.015%; no homozygotes.

Submissions (4):

CeGaT Center for Human Genetics Tuebingen
Classification: Uncertain significance. Last evaluated: 2026-06-01. Review status: criteria provided, single submitter. Criteria: CeGaT Center For Human Genetics Tuebingen Variant Classification Criteria Version 2. Collection method: clinical testing. Allele origin: germline. Affected: yes. Observed: 2 variant alleles.
Comment: PLA2G6: PM2, BP4

Ambry Genetics
Classification: Likely benign for Inborn genetic diseases. Last evaluated: 2023-02-16. Review status: criteria provided, single submitter. Criteria: Ambry Variant Classification Scheme 2023. Collection method: clinical testing. Allele origin: germline.

Labcorp Genetics (formerly Invitae), Labcorp
Classification: Uncertain significance for Infantile neuroaxonal dystrophy. Last evaluated: 2022-10-27. Review status: criteria provided, single submitter. Criteria: Invitae Variant Classification Sherloc (09022015). Collection method: clinical testing. Allele origin: germline.
Comment: This sequence change replaces alanine, which is neutral and non-polar, with threonine, which is neutral and polar, at codon 423 of the PLA2G6 protein (p.Ala423Thr). This variant is present in population databases (rs746217497, gnomAD 0.02%). This variant has not been reported in the literature in individuals affected with PLA2G6-related conditions. ClinVar contains an entry for this variant (Variation ID: 341640). Advanced modeling of protein sequence and biophysical properties (such as structural, functional, and spatial information, amino acid conservation, physicochemical variation, residue mobility, and thermodynamic stability) performed at Invitae indicates that this missense variant is not expected to disrupt PLA2G6 protein function. In summary, the available evidence is currently insufficient to determine the role of this variant in disease. Therefore, it has been classified as a Variant of Uncertain Significance.

Illumina Laboratory Services, Illumina
Classification: Uncertain significance for PLA2G6-associated neurodegeneration. Last evaluated: 2018-01-13. Review status: criteria provided, single submitter. Criteria: ICSL Variant Classification Criteria 13 December 2019. Collection method: clinical testing. Allele origin: germline.